The following is an entry in ClinVar:

NM_006914.4(RORB):c.718C>T (p.Gln240Ter)

Gene: RORB (RAR related orphan receptor B; plus strand). Cytogenetic location: 9q21.13.
Variant type: single nucleotide variant.
Coding change: c.718C>T on transcript NM_006914.4 (MANE Select); coding-DNA position 718, C replaced by T.
Protein change: p.Gln240Ter; replaces glutamine 240 with a stop codon.
Molecular consequence: nonsense.
Genome position (GRCh38, 1-based): chr9:74,660,697, C>T. VCF-style: chr9-74660697-C-T. GRCh37 (hg19) VCF-style: chr9-77275613-C-T.
Other names: c.751C>T, p.Gln251Ter (NM_001365023.1); short protein forms Q240*, Q251*.
Identifiers: ClinVar variation 4721723 (VCV004721723.1).

ClinVar aggregate classification (germline): Pathogenic (1 of 4 stars; one submission).

Submission:

Labcorp Genetics (formerly Invitae), Labcorp
Classification: Pathogenic. Last evaluated: 2025-08-18. Review status: criteria provided, single submitter. Criteria: Invitae Variant Classification Sherloc (09022015). Collection method: clinical testing. Allele origin: germline.
Comment: This sequence change creates a premature translational stop signal (p.Gln240*) in the RORB gene. It is expected to result in an absent or disrupted protein product. Loss-of-function variants in RORB are known to be pathogenic (PMID: 27352968, 32162308, 38165337). This variant is not present in population databases (gnomAD no frequency). This variant has not been reported in the literature in individuals affected with RORB-related conditions. For these reasons, this variant has been classified as Pathogenic.

Literature cited by the submitters: PubMed 27352968; PubMed 32162308; PubMed 38165337.